The following is an entry in ClinVar:

NM_004006.3(DMD):c.2293G>A (p.Ala765Thr)

Gene: DMD (dystrophin; minus strand). Cytogenetic location: Xp21.1.
Variant type: single nucleotide variant.
Coding change: c.2293G>A on transcript NM_004006.3 (MANE Select); coding-DNA position 2293, G replaced by A.
Protein change: p.Ala765Thr; replaces alanine 765 with threonine.
Molecular consequence: missense variant.
Genome position (GRCh38, 1-based): chrX:32,501,842, C>T on the plus strand (G>A on the coding strand, the complement: DMD is on the minus strand). VCF-style: chrX-32501842-C-T. GRCh37 (hg19) VCF-style: chrX-32519959-C-T.
Other names: c.2269G>A, p.Ala757Thr (NM_000109.4); c.2281G>A, p.Ala761Thr (NM_004009.3); c.1924G>A, p.Ala642Thr (NM_004010.3); short protein forms A642T, A761T, A765T, A757T.
Identifiers: ClinVar variation 1418590 (VCV001418590.6), dbSNP rs2044087804, ClinGen allele CA412673731.

ClinVar aggregate classification (germline): Uncertain significance (1 of 4 stars; one submission).

Conditions:
Duchenne muscular dystrophy (DMD). Also called: MUSCULAR DYSTROPHY, PSEUDOHYPERTROPHIC PROGRESSIVE, DUCHENNE TYPE; Duchenne Muscular Dystrophy (DMD). Identifiers: Orphanet 98896, MedGen C0013264, MONDO:0010679, OMIM 310200.

Allele frequency attached by ClinVar (database versions not stated): TOPMed below 0.00001.
gnomAD v4.1: 2 of 1,193,810 alleles (0.00017%); highest among the groups gnomAD compares: East Asian, 0.003%; no homozygotes.

Submission:

Labcorp Genetics (formerly Invitae), Labcorp
Classification: Uncertain significance for Duchenne muscular dystrophy. Last evaluated: 2023-04-26. Review status: criteria provided, single submitter. Criteria: Invitae Variant Classification Sherloc (09022015). Collection method: clinical testing. Allele origin: germline.
Comment: In summary, the available evidence is currently insufficient to determine the role of this variant in disease. Therefore, it has been classified as a Variant of Uncertain Significance. An algorithm developed to predict the effect of missense changes on protein structure and function (PolyPhen-2) suggests that this variant is likely to be tolerated. ClinVar contains an entry for this variant (Variation ID: 1418590). This missense change has been observed in individual(s) with clinical features of DMD-related conditions (Invitae). This variant is not present in population databases (gnomAD no frequency). This sequence change replaces alanine, which is neutral and non-polar, with threonine, which is neutral and polar, at codon 765 of the DMD protein (p.Ala765Thr).